The following is an entry in ClinVar:

NM_000520.6(HEXA):c.706G>A (p.Ala236Thr)

Gene: HEXA (hexosaminidase subunit alpha; minus strand). Cytogenetic location: 15q23.
Variant type: single nucleotide variant.
Coding change: c.706G>A on transcript NM_000520.6 (MANE Select); coding-DNA position 706, G replaced by A.
Protein change: p.Ala236Thr; replaces alanine 236 with threonine.
Molecular consequence: missense variant. On other transcripts: non-coding transcript variant (1).
Genome position (GRCh38, 1-based): chr15:72,350,617, C>T on the plus strand (G>A on the coding strand, the complement: HEXA is on the minus strand). VCF-style: chr15-72350617-C-T. GRCh37 (hg19) VCF-style: chr15-72642958-C-T.
Other names: c.739G>A, p.Ala247Thr (NM_001318825.2); short protein forms A236T, A247T.
Identifiers: ClinVar variation 1523180 (VCV001523180.5), dbSNP rs757119445, ClinGen allele CA7644912.

ClinVar aggregate classification (germline): Uncertain significance (1 of 4 stars; one submission).

Conditions:
Tay-Sachs disease (TSD). Also called: HEXA DEFICIENCY; HEXA Disorders; GM2 gangliosidosis, type 1; Hexosaminidase alpha-subunit deficiency (variant B); Sphingolipidosis, Tay-Sachs; Hexosaminidase A Deficiency. Identifiers: Orphanet 845, MedGen C0039373, MONDO:0010100, OMIM 272800.

Allele frequency attached by ClinVar (database versions not stated): ExAC 0.00001; gnomAD exomes 0.00001; TOPMed 0.00002; gnomAD 0.00004 and 0.00005.
gnomAD v4.1: 12 of 1,613,930 alleles (0.00074%); highest among the groups gnomAD compares: Admixed American, 0.02%; no homozygotes.

Submission:

Labcorp Genetics (formerly Invitae), Labcorp
Classification: Uncertain significance for Tay-Sachs disease. Last evaluated: 2022-07-17. Review status: criteria provided, single submitter. Criteria: Invitae Variant Classification Sherloc (09022015). Collection method: clinical testing. Allele origin: germline.
Comment: This sequence change replaces alanine, which is neutral and non-polar, with threonine, which is neutral and polar, at codon 236 of the HEXA protein (p.Ala236Thr). This variant is present in population databases (rs757119445, gnomAD 0.006%). This variant has not been reported in the literature in individuals affected with HEXA-related conditions. ClinVar contains an entry for this variant (Variation ID: 1523180). Algorithms developed to predict the effect of missense changes on protein structure and function output the following: SIFT: "Tolerated"; PolyPhen-2: "Benign"; Align-GVGD: "Class C0". The threonine amino acid residue is found in multiple mammalian species, which suggests that this missense change does not adversely affect protein function. In summary, the available evidence is currently insufficient to determine the role of this variant in disease. Therefore, it has been classified as a Variant of Uncertain Significance.